The following is an entry in ClinVar:

ClinVar aggregate classification (germline): Uncertain significance (1 of 4 stars; one submission).

Allele frequency attached by ClinVar (database versions not stated): ExAC 0.00003; gnomAD exomes 0.00003; gnomAD 0.00005; TOPMed 0.00005; 1000 Genomes Project 30x 0.00047; 1000 Genomes Project 0.00060.
gnomAD v4.1: 46 of 1,614,038 alleles (0.0028%); highest among the groups gnomAD compares: East Asian, 0.08%; no homozygotes.

Submission:

Labcorp Genetics (formerly Invitae), Labcorp
Classification: Uncertain significance. Last evaluated: 2022-07-25. Review status: criteria provided, single submitter. Criteria: Invitae Variant Classification Sherloc (09022015). Collection method: clinical testing. Allele origin: germline.
Comment: This sequence change replaces arginine, which is basic and polar, with histidine, which is basic and polar, at codon 144 of the STX3 protein (p.Arg144His). The frequency data for this variant in the population databases is considered unreliable, as metrics indicate poor data quality at this position in the gnomAD database. This variant has not been reported in the literature in individuals affected with STX3-related conditions. Algorithms developed to predict the effect of missense changes on protein structure and function are either unavailable or do not agree on the potential impact of this missense change (SIFT: "Deleterious"; PolyPhen-2: "Possibly Damaging"; Align-GVGD: "Class C0"). In summary, the available evidence is currently insufficient to determine the role of this variant in disease. Therefore, it has been classified as a Variant of Uncertain Significance.

NM_004177.5(STX3):c.431G>A (p.Arg144His)

Gene: STX3 (syntaxin 3; plus strand). Cytogenetic location: 11q12.1.
Variant type: single nucleotide variant.
Coding change: c.431G>A on transcript NM_004177.5 (MANE Select); coding-DNA position 431, G replaced by A.
Protein change: p.Arg144His; replaces arginine 144 with histidine.
Molecular consequence: missense variant.
Genome position (GRCh38, 1-based): chr11:59,792,180, G>A. VCF-style: chr11-59792180-G-A. GRCh37 (hg19) VCF-style: chr11-59559653-G-A.
Other names: c.431G>A, p.Arg144His (NM_001178040.3); short protein forms R144H.
Identifiers: ClinVar variation 1982092 (VCV001982092.1), dbSNP rs183505688, ClinGen allele CA6020880.